The following is an entry in ClinVar:

NM_018670.4(MESP1):c.335C>T (p.Ser112Phe)

Genes: MESP1 (mesoderm posterior bHLH transcription factor 1; minus strand), LOC130057889 (ATAC-STARR-seq lymphoblastoid silent region 6804; plus strand). Cytogenetic location: 15q26.1.
Variant type: single nucleotide variant.
Coding change: c.335C>T on transcript NM_018670.4 (MANE Select); coding-DNA position 335, C replaced by T.
Protein change: p.Ser112Phe; replaces serine 112 with phenylalanine.
Molecular consequence: missense variant.
Genome position (GRCh38, 1-based): chr15:89,750,897, G>A on the plus strand (C>T on the coding strand, the complement: MESP1 is on the minus strand). VCF-style: chr15-89750897-G-A. GRCh37 (hg19) VCF-style: chr15-90294128-G-A.
Other names: short protein forms S112F.
Identifiers: ClinVar variation 4551043 (VCV004551043.2).
Genomic context (GRCh38, chr15:89,750,897, plus strand): 5'-TAGCGGATAGCCAGGCGCAGCGTCTCGATCTTGGTCAGGCTCTGGCCCGCGGGCGCCACG[G>A]ACGGCGGTAGAAAGCGGCGCAGCTCGTGCAGGGCGCGGGCCAGCGTGCGCATGCGCAGTT-3'
Protein context (NP_061140.1, residues 102-122): LHELRRFLPP[Ser112Phe]VAPAGQSLTK

ClinVar aggregate classification (germline): Uncertain significance. Review status: criteria provided, multiple submitters, no conflicts (2 of 4 stars). 2 submissions from 2 submitters: Uncertain significance (2). Last evaluated 2025-11-13.

Submissions (2):

Ambry Genetics
Classification: Uncertain significance. Last evaluated: 2025-11-13. Review status: criteria provided, single submitter. Criteria: Ambry Variant Classification Scheme 2023. Collection method: clinical testing. Allele origin: germline.

Labcorp Genetics (formerly Invitae), Labcorp
Classification: Uncertain significance. Last evaluated: 2025-02-18. Review status: criteria provided, single submitter. Criteria: Invitae Variant Classification Sherloc (09022015). Collection method: clinical testing. Allele origin: germline.
Comment: This sequence change replaces serine, which is neutral and polar, with phenylalanine, which is neutral and non-polar, at codon 112 of the MESP1 protein (p.Ser112Phe). The frequency data for this variant in the population databases is considered unreliable, as metrics indicate poor data quality at this position in the gnomAD database. This variant has not been reported in the literature in individuals affected with MESP1-related conditions. An algorithm developed to predict the effect of missense changes on protein structure and function (PolyPhen-2) suggests that this variant is likely to be disruptive. In summary, the available evidence is currently insufficient to determine the role of this variant in disease. Therefore, it has been classified as a Variant of Uncertain Significance.